The following is an entry in ClinVar:

NM_000081.4(LYST):c.4808C>T (p.Pro1603Leu)

Gene: LYST (lysosomal trafficking regulator; minus strand). Cytogenetic location: 1q42.3.
Variant type: single nucleotide variant.
Coding change: c.4808C>T on transcript NM_000081.4 (MANE Select); coding-DNA position 4808, C replaced by T.
Protein change: p.Pro1603Leu; replaces proline 1603 with leucine.
Molecular consequence: missense variant.
Genome position (GRCh38, 1-based): chr1:235,787,254, G>A on the plus strand (C>T on the coding strand, the complement: LYST is on the minus strand). VCF-style: chr1-235787254-G-A. GRCh37 (hg19) VCF-style: chr1-235950554-G-A.
Other names: c.4808C>T, p.Pro1603Leu (NM_001301365.1); c.4808C>T (NM_000081.2); short protein forms P1603L.
Identifiers: ClinVar variation 963037 (VCV000963037.9), dbSNP rs2528089899, ClinGen allele CA344957424.

ClinVar aggregate classification (germline): Uncertain significance. Review status: criteria provided, multiple submitters, no conflicts (2 of 4 stars). 2 submissions from 2 submitters: Uncertain significance (2). Last evaluated 2022-02-03.

Conditions:
Inborn genetic diseases. Identifiers: MedGen C0950123, MeSH D030342.
Chédiak-Higashi syndrome (CHS). Also called: Chediak-Higashi Syndrome. Identifiers: Orphanet 167, MedGen C0007965, MONDO:0008963, OMIM 214500.

Submissions (2):

Ambry Genetics
Classification: Uncertain significance for Inborn genetic diseases. Last evaluated: 2022-02-03. Review status: criteria provided, single submitter. Criteria: Ambry Variant Classification Scheme 2023. Collection method: clinical testing. Allele origin: germline.

Labcorp Genetics (formerly Invitae), Labcorp
Classification: Uncertain significance for Chédiak-Higashi syndrome. Last evaluated: 2020-04-03. Review status: criteria provided, single submitter. Criteria: Invitae Variant Classification Sherloc (09022015). Collection method: clinical testing. Allele origin: germline.
Comment: In summary, the available evidence is currently insufficient to determine the role of this variant in disease. Therefore, it has been classified as a Variant of Uncertain Significance. Algorithms developed to predict the effect of missense changes on protein structure and function (SIFT, PolyPhen-2, Align-GVGD) all suggest that this variant is likely to be tolerated, but these predictions have not been confirmed by published functional studies and their clinical significance is uncertain. This variant has not been reported in the literature in individuals with LYST-related conditions. This variant is not present in population databases (ExAC no frequency). This sequence change replaces proline with leucine at codon 1603 of the LYST protein (p.Pro1603Leu). The proline residue is weakly conserved and there is a moderate physicochemical difference between proline and leucine.